The following is an entry in ClinVar:

NM_152618.3(BBS12):c.780_781del (p.His260fs)

Gene: BBS12 (Bardet-Biedl syndrome 12; plus strand). Cytogenetic location: 4q27.
Variant type: Microsatellite.
Coding change: c.780_781del on transcript NM_152618.3 (MANE Select); coding-DNA positions 780 to 781, 2 bases deleted (CA; older notation c.780_781delCA).
Protein change: p.His260fs; shifts the reading frame from histidine 260.
Molecular consequence: frameshift variant.
Genome position (GRCh38, 1-based): chr4:122,742,672-122,742,673, CA deleted; deleting any 2 consecutive bases within chr4:122,742,670-122,742,673 gives the same sequence; the c. name uses the placement nearest the transcript's 3' end. VCF-style (leftmost placement, unchanged base first): chr4-122742669-TCA-T. GRCh37 (hg19) VCF-style: chr4-123663824-TCA-T.
Other names: c.780_781del, p.His260fs (NM_001178007.2); short protein forms H260fs.
Identifiers: ClinVar variation 1422450 (VCV001422450.7), dbSNP rs865920726, ClinGen allele CA105249184.

ClinVar aggregate classification (germline): Pathogenic/Likely pathogenic. Review status: criteria provided, multiple submitters, no conflicts (2 of 4 stars). 3 submissions from 3 submitters: Pathogenic (1); Likely pathogenic (2). Last evaluated 2024-02-02.

Conditions:
Bardet-Biedl syndrome (BBS). Identifiers: Orphanet 110, MedGen C0752166, MONDO:0015229.
Bardet-Biedl syndrome 12 (BBS12). Identifiers: Orphanet 110, MedGen C1859570, MONDO:0014440, OMIM 615989.

Submissions (3):

Fulgent Genetics
Classification: Likely pathogenic for Bardet-Biedl syndrome 12. Last evaluated: 2024-02-02. Review status: criteria provided, single submitter. Criteria: ACMG Guidelines, 2015. Collection method: clinical testing. Allele origin: germline.

Baylor Genetics
Classification: Likely pathogenic for Bardet-Biedl syndrome 12. Last evaluated: 2023-02-27. Review status: criteria provided, single submitter. Criteria: ACMG Guidelines, 2015. Collection method: clinical testing. Allele origin: unknown.

Labcorp Genetics (formerly Invitae), Labcorp
Classification: Pathogenic for Bardet-Biedl syndrome. Last evaluated: 2022-09-03. Review status: criteria provided, single submitter. Criteria: Invitae Variant Classification Sherloc (09022015). Collection method: clinical testing. Allele origin: germline.
Comment: This sequence change creates a premature translational stop signal (p.His260Glnfs*6) in the BBS12 gene. While this is not anticipated to result in nonsense mediated decay, it is expected to disrupt the last 451 amino acid(s) of the BBS12 protein. This variant is not present in population databases (gnomAD no frequency). This variant has not been reported in the literature in individuals affected with BBS12-related conditions. This variant disrupts a region of the BBS12 protein in which other variant(s) (p.Arg675*) have been determined to be pathogenic (PMID: 20827784, 21642631). This suggests that this is a clinically significant region of the protein, and that variants that disrupt it are likely to be disease-causing. For these reasons, this variant has been classified as Pathogenic.

Literature cited by the submitters: PubMed 20827784 (cited by Labcorp Genetics (formerly Invitae), Labcorp); PubMed 21642631 (cited by Labcorp Genetics (formerly Invitae), Labcorp).